The following is an entry in ClinVar:

NM_001164277.2(SLC37A4):c.845A>C (p.Tyr282Ser)

Gene: SLC37A4 (solute carrier family 37 member 4; minus strand). Cytogenetic location: 11q23.3.
Variant type: single nucleotide variant.
Coding change: c.845A>C on transcript NM_001164277.2 (MANE Select); coding-DNA position 845, A replaced by C.
Protein change: p.Tyr282Ser; replaces tyrosine 282 with serine.
Molecular consequence: missense variant.
Genome position (GRCh38, 1-based): chr11:119,026,628, T>G on the plus strand (A>C on the coding strand, the complement: SLC37A4 is on the minus strand). VCF-style: chr11-119026628-T-G. GRCh37 (hg19) VCF-style: chr11-118897338-T-G.
Other names: c.845A>C, p.Tyr282Ser (NM_001164278.2, NM_001164280.2, NM_001467.6); c.626A>C, p.Tyr209Ser (NM_001164279.2); short protein forms Y209S, Y282S.
Identifiers: ClinVar variation 4740649 (VCV004740649.1).

ClinVar aggregate classification (germline): Uncertain significance (1 of 4 stars; one submission).

Conditions:
Glucose-6-phosphate transport defect (GSD1B). Also called: Glycogen Storage Disease Type Ib; GSD Ib. Identifiers: Orphanet 364, Orphanet 79259, MedGen C0268146, MONDO:0009288, OMIM 232220.

Submission:

Labcorp Genetics (formerly Invitae), Labcorp
Classification: Uncertain significance for Glucose-6-phosphate transport defect. Last evaluated: 2025-10-17. Review status: criteria provided, single submitter. Criteria: Invitae Variant Classification Sherloc (09022015). Collection method: clinical testing. Allele origin: germline.
Comment: This sequence change replaces tyrosine, which is neutral and polar, with serine, which is neutral and polar, at codon 282 of the SLC37A4 protein (p.Tyr282Ser). This variant is not present in population databases (gnomAD no frequency). This variant has not been reported in the literature in individuals affected with SLC37A4-related conditions. Invitae Evidence Modeling of protein sequence and biophysical properties (such as structural, functional, and spatial information, amino acid conservation, physicochemical variation, residue mobility, and thermodynamic stability) has been performed for this missense variant. However, the output from this modeling did not meet the statistical confidence thresholds required to predict the impact of this variant on SLC37A4 protein function. In summary, the available evidence is currently insufficient to determine the role of this variant in disease. Therefore, it has been classified as a Variant of Uncertain Significance.